The following is an entry in ClinVar:

NM_000554.6(CRX):c.739del (p.Ala247fs)

Gene: CRX (cone-rod homeobox; plus strand). Cytogenetic location: 19q13.33.
Variant type: Deletion.
Coding change: c.739del on transcript NM_000554.6 (MANE Select); coding-DNA position 739, one base deleted (G; older notation c.739delG).
Protein change: p.Ala247fs; shifts the reading frame from alanine 247.
Molecular consequence: frameshift variant.
Genome position (GRCh38, 1-based): chr19:47,839,806, G deleted; the last of 2 consecutive G bases (chr19:47,839,805-47,839,806); deleting either gives the same sequence. VCF-style (leftmost placement, unchanged base first): chr19-47839804-TG-T. GRCh37 (hg19) VCF-style: chr19-48343061-TG-T.
Other names: short protein forms A247fs.
Identifiers: ClinVar variation 3781124 (VCV003781124.1).

ClinVar aggregate classification (germline): Uncertain significance (1 of 4 stars; one submission).

Submission:

GeneDx
Classification: Uncertain significance. Last evaluated: 2024-10-17. Review status: criteria provided, single submitter. Criteria: GeneDx Variant Classification Process June 2021. Collection method: clinical testing. Allele origin: germline. Affected: yes.
Comment: Frameshift variant predicted to result in abnormal protein length as the last 53 amino acid(s) are replaced with 123 different amino acid(s), and other similar variants have been reported in HGMD; Not observed at significant frequency in large population cohorts (gnomAD); Has not been previously published as pathogenic or benign to our knowledge